The following is an entry in ClinVar:

ClinVar aggregate classification (germline): Likely benign (1 of 4 stars; one submission).

gnomAD v4.1: 6 of 1,614,042 alleles (0.00037%); highest among the groups gnomAD compares: African/African-American, 0.004%; no homozygotes.

Submission:

CeGaT Center for Human Genetics Tuebingen
Classification: Likely benign. Last evaluated: 2026-06-01. Review status: criteria provided, single submitter. Criteria: CeGaT Center For Human Genetics Tuebingen Variant Classification Criteria Version 2. Collection method: clinical testing. Allele origin: germline. Affected: yes. Observed: 1 variant allele.
Comment: TRIO: PP2, BS2

NM_007118.4(TRIO):c.1555G>A (p.Gly519Ser)

Gene: TRIO (trio Rho guanine nucleotide exchange factor; plus strand). Cytogenetic location: 5p15.2.
Variant type: single nucleotide variant.
Coding change: c.1555G>A on transcript NM_007118.4 (MANE Select); coding-DNA position 1555, G replaced by A.
Protein change: p.Gly519Ser; replaces glycine 519 with serine.
Molecular consequence: missense variant. On other transcripts: non-coding transcript variant (1).
Genome position (GRCh38, 1-based): chr5:14,316,567, G>A. VCF-style: chr5-14316567-G-A. GRCh37 (hg19) VCF-style: chr5-14316676-G-A.
Other names: short protein forms G519S.
Identifiers: ClinVar variation 4872011 (VCV004872011.2).
Genomic context (GRCh38, chr5:14,316,567, plus strand): 5'-GGGCAGGTCAGCCAAGATGGGAAGTCGCTCCTTGACAAGCTCCAGCGGCCCTTGACTCCC[G>A]GCAGCTCCGATTCCCTGACAGCCTCTGCCAACTACTCCAAGGCCGTGCACCATGTCCTGG-3'
Protein context (NP_009049.2, residues 509-529): LDKLQRPLTP[Gly519Ser]SSDSLTASAN